The following is an entry in ClinVar:

ClinVar aggregate classification (germline): Pathogenic (1 of 4 stars; one submission).

Submission:

Labcorp Genetics (formerly Invitae), Labcorp
Classification: Pathogenic. Last evaluated: 2022-06-24. Review status: criteria provided, single submitter. Criteria: Invitae Variant Classification Sherloc (09022015). Collection method: clinical testing. Allele origin: germline.
Comment: For these reasons, this variant has been classified as Pathogenic. This variant has not been reported in the literature in individuals affected with USB1-related conditions. This variant is not present in population databases (gnomAD no frequency). This sequence change creates a premature translational stop signal (p.Arg144Valfs*2) in the USB1 gene. It is expected to result in an absent or disrupted protein product. Loss-of-function variants in USB1 are known to be pathogenic (PMID: 20817924, 25044170).

Literature cited by the submitters: PubMed 20817924; PubMed 25044170.

NM_024598.4(USB1):c.430del (p.Arg144fs)

Gene: USB1 (U6 snRNA biogenesis phosphodiesterase 1; plus strand). Cytogenetic location: 16q21.
Variant type: Deletion.
Coding change: c.430del on transcript NM_024598.4 (MANE Select); coding-DNA position 430, one base deleted (C; older notation c.430delC).
Protein change: p.Arg144fs; shifts the reading frame from arginine 144.
Molecular consequence: frameshift variant.
Genome position (GRCh38, 1-based): chr16:58,010,093, C deleted; the last of 3 consecutive C bases (chr16:58,010,091-58,010,093); deleting any one gives the same sequence. VCF-style (leftmost placement, unchanged base first): chr16-58010090-GC-G. GRCh37 (hg19) VCF-style: chr16-58043994-GC-G.
Other names: c.430del, p.Arg144fs (NM_001195302.2, NM_001204911.2, NM_001330569.2); c.277del, p.Arg93fs (NM_001330568.2); short protein forms R93fs, R144fs.
Identifiers: ClinVar variation 1924645 (VCV001924645.5), dbSNP rs2544726550, ClinGen allele CA2580091786.